The following is an entry in ClinVar:

NM_001130009.3(GEN1):c.2681C>G (p.Pro894Arg)

Gene: GEN1 (GEN1 Holliday junction 5' flap endonuclease; plus strand). Cytogenetic location: 2p24.2.
Variant type: single nucleotide variant.
Coding change: c.2681C>G on transcript NM_001130009.3 (MANE Select); coding-DNA position 2681, C replaced by G.
Protein change: p.Pro894Arg; replaces proline 894 with arginine.
Molecular consequence: missense variant.
Genome position (GRCh38, 1-based): chr2:17,781,893, C>G. VCF-style: chr2-17781893-C-G. GRCh37 (hg19) VCF-style: chr2-17963160-C-G.
Other names: c.2681C>G, p.Pro894Arg (NM_182625.5); short protein forms P894R.
Identifiers: ClinVar variation 3281218 (VCV003281218.2).

ClinVar aggregate classification (germline): Uncertain significance (1 of 4 stars; one submission).

gnomAD v4.1: 2 of 1,579,436 alleles (0.00013%); highest among the groups gnomAD compares: African/African-American, 0.0028%; no homozygotes.

Submission:

Ambry Genetics
Classification: Uncertain significance. Last evaluated: 2025-02-15. Review status: criteria provided, single submitter. Criteria: Ambry Variant Classification Scheme 2023. Collection method: clinical testing. Allele origin: germline.
Comment: The p.P894R variant (also known as c.2681C>G), located in coding exon 13 of the GEN1 gene, results from a C to G substitution at nucleotide position 2681. The proline at codon 894 is replaced by arginine, an amino acid with dissimilar properties. This amino acid position is conserved. In addition, the in silico prediction for this alteration is inconclusive. Based on the available evidence, the clinical significance of this variant remains unclear.